The following is an entry in ClinVar:

ClinVar aggregate classification (germline): Uncertain significance. Review status: criteria provided, multiple submitters, no conflicts (2 of 4 stars). 2 submissions from 2 submitters: Uncertain significance (2). Last evaluated 2023-11-07.

Conditions:
Alternating hemiplegia of childhood 1 (AHC1). Identifiers: Orphanet 2131, MedGen C3549447, MONDO:0007087, OMIM 104290.

Submissions (2):

GeneDx
Classification: Uncertain significance. Last evaluated: 2023-11-07. Review status: criteria provided, single submitter. Criteria: GeneDx Variant Classification Process June 2021. Collection method: clinical testing. Allele origin: germline.
Comment: Not observed at significant frequency in large population cohorts (gnomAD); In silico analysis supports that this missense variant has a deleterious effect on protein structure/function; Has not been previously published as pathogenic or benign to our knowledge; This variant is associated with the following publications: (PMID: 18184292)

Institute of Human Genetics, University of Goettingen
Classification: Uncertain significance for Alternating hemiplegia of childhood 1. Last evaluated: 2023-02-14. Review status: criteria provided, single submitter. Criteria: ACMG Guidelines, 2015. Collection method: clinical testing. Allele origin: unknown. Inheritance: Autosomal dominant inheritance. Affected: yes.

NM_000702.4(ATP1A2):c.2254T>A (p.Phe752Ile)

Gene: ATP1A2 (ATPase Na+/K+ transporting subunit alpha 2; plus strand). Cytogenetic location: 1q23.2.
Variant type: single nucleotide variant.
Coding change: c.2254T>A on transcript NM_000702.4 (MANE Select); coding-DNA position 2254, T replaced by A.
Protein change: p.Phe752Ile; replaces phenylalanine 752 with isoleucine.
Molecular consequence: missense variant.
Genome position (GRCh38, 1-based): chr1:160,135,572, T>A. VCF-style: chr1-160135572-T-A. GRCh37 (hg19) VCF-style: chr1-160105362-T-A.
Other names: short protein forms F752I.
Identifiers: ClinVar variation 2429466 (VCV002429466.4), dbSNP rs2524887469, ClinGen allele CA343249509.